The following is an entry in ClinVar:

NC_012920.1(MT-CYB):m.15770C>T

Gene: MT-CYB (mitochondrially encoded cytochrome b; plus strand).
Variant type: single nucleotide variant.
Genome position: chrM-15770-C-T.
Identifiers: ClinVar variation 693946 (VCV000693946.1), dbSNP rs1603225469, ClinGen allele CA913174795.

ClinVar aggregate classification (germline): Uncertain significance (1 of 4 stars; one submission).

Conditions:
Leigh syndrome (NULS). Also called: Leigh's necrotizing encephalopathy; Leigh's disease; Leigh's syndrome; LEIGH SYNDROME, NUCLEAR; Leigh Syndrome (mtDNA deletion); Leigh Disease. Identifiers: Orphanet 506, MedGen C2931891, MONDO:0009723, OMIM 256000.

Submission:

Wong Mito Lab, Molecular and Human Genetics, Baylor College of Medicine
Classification: Uncertain significance for Leigh syndrome. Last evaluated: 2019-10-17. Review status: criteria provided, single submitter. Criteria: Modified ACMG Guidelines (Unpublished). Collection method: clinical testing. Allele origin: germline.
Comment: The NC_012920.1:m.15770C>T (YP_003024038.1:p.Pro342Ser) variant in MTCYB gene is interpretated to be a Uncertain Significance variant based on the modified ACMG guidelines (unpublished). This variant meets the following evidence codes: BS1